The following is an entry in ClinVar:

NM_000044.6(AR):c.2070C>G (p.His690Gln)

Gene: AR (androgen receptor; plus strand). Cytogenetic location: Xq12.
Variant type: single nucleotide variant.
Coding change: c.2070C>G on transcript NM_000044.6 (MANE Select); coding-DNA position 2070, C replaced by G.
Protein change: p.His690Gln; replaces histidine 690 with glutamine.
Molecular consequence: missense variant.
Genome position (GRCh38, 1-based): chrX:67,711,586, C>G. VCF-style: chrX-67711586-C-G. GRCh37 (hg19) VCF-style: chrX-66931428-C-G.
Other names: c.2070C>G (NM_000044.2); c.474C>G, p.His158Gln (NM_001011645.3); short protein forms H690Q, H158Q.
Identifiers: ClinVar variation 946216 (VCV000946216.9), dbSNP rs754583155, ClinGen allele CA413423345.
Genomic context (GRCh38, chrX:67,711,586, plus strand): 5'-TCAGCCCATCTTTCTGAATGTCCTGGAAGCCATTGAGCCAGGTGTAGTGTGTGCTGGACA[C>G]GACAACAACCAGCCCGACTCCTTTGCAGCCTTGCTCTCTAGCCTCAATGAACTGGGAGAG-3'
Protein context (NP_000035.2, residues 680-700): AIEPGVVCAG[His690Gln]DNNQPDSFAA

ClinVar aggregate classification (germline): Conflicting classifications of pathogenicity. Review status: criteria provided, conflicting classifications (1 of 4 stars). 2 submissions from 2 submitters: Likely pathogenic (1); Uncertain significance (1). Last evaluated 2019-05-22.

Conditions:
Androgen resistance syndrome (AIS). Also called: ANDROGEN RECEPTOR DEFICIENCY; Androgen insensitivity syndrome; Androgen insensitivity, complete; Androgen insensitivity; DIHYDROTESTOSTERONE RECEPTOR DEFICIENCY; TESTICULAR FEMINIZATION SYNDROME. Identifiers: Orphanet 754, Orphanet 99429, MedGen C0039585, MONDO:0019154, OMIM 300068. Disease mechanism: loss of function.
Kennedy disease (SMAX1). Also called: SPINAL AND BULBAR MUSCULAR ATROPHY, X-LINKED 1; KENNEDY SPINAL AND BULBAR MUSCULAR ATROPHY; Spinal and Bulbar Muscular Atrophy. Identifiers: Orphanet 481, MedGen C1839259, MONDO:0010735, OMIM 313200.

Submissions (2):

GeneDx
Classification: Likely pathogenic. Last evaluated: 2019-05-22. Review status: criteria provided, single submitter. Criteria: GeneDx Variant Classification Process June 2021. Collection method: clinical testing. Allele origin: germline. Affected: yes.
Comment: Not observed in large population cohorts (gnomAD); The majority of missense variants in this gene are considered pathogenic (HGMD); In silico analysis, which includes protein predictors and evolutionary conservation, supports a deleterious effect; Has not been previously published as pathogenic or benign to our knowledge

Labcorp Genetics (formerly Invitae), Labcorp
Classification: Uncertain significance for Kennedy disease; Androgen resistance syndrome. Last evaluated: 2019-05-18. Review status: criteria provided, single submitter. Criteria: Invitae Variant Classification Sherloc (09022015). Collection method: clinical testing. Allele origin: germline.
Comment: This variant has not been reported in the literature in individuals with AR-related conditions. This variant is not present in population databases (ExAC no frequency). This sequence change replaces histidine with glutamine at codon 690 of the AR protein (p.His690Gln). The histidine residue is highly conserved and there is a small physicochemical difference between histidine and glutamine. Algorithms developed to predict the effect of missense changes on protein structure and function are either unavailable or do not agree on the potential impact of this missense change (SIFT: "Tolerated"; PolyPhen-2: "Probably Damaging"; Align-GVGD: "Class C0"). Algorithms developed to predict the effect of sequence changes on RNA splicing suggest that this variant may create or strengthen a splice site, but this prediction has not been confirmed by published transcriptional studies. This variant disrupts the p.His690 amino acid residue in AR. Other variant(s) that disrupt this residue have been determined to be pathogenic (PMID: 12213902; this residue is also referred to as p.His689). This suggests that this residue is clinically significant, and that variants that disrupt this residue are likely to be disease-causing. In summary, the available evidence is currently insufficient to determine the role of this variant in disease. Therefore, it has been classified as a Variant of Uncertain Significance.

Literature cited by the submitters: PubMed 12213902 (cited by Labcorp Genetics (formerly Invitae), Labcorp); PubMed 689 (cited by Labcorp Genetics (formerly Invitae), Labcorp).